The following is an entry in ClinVar:

ClinVar aggregate classification (germline): Uncertain significance (1 of 4 stars; one submission).

Conditions:
Usher syndrome type 3B. Also called: USHER SYNDROME, TYPE IIIB. Identifiers: MedGen C3281066, MONDO:0013788, OMIM 614504.

Submission:

Labcorp Genetics (formerly Invitae), Labcorp
Classification: Uncertain significance for Usher syndrome type 3B. Last evaluated: 2023-08-17. Review status: criteria provided, single submitter. Criteria: Invitae Variant Classification Sherloc (09022015). Collection method: clinical testing. Allele origin: germline.
Comment: This variant is not present in population databases (gnomAD no frequency). This sequence change falls in intron 11 of the HARS gene. It does not directly change the encoded amino acid sequence of the HARS protein. This variant has not been reported in the literature in individuals affected with HARS-related conditions. In summary, the available evidence is currently insufficient to determine the role of this variant in disease. Therefore, it has been classified as a Variant of Uncertain Significance. Algorithms developed to predict the effect of sequence changes on RNA splicing suggest that this variant may disrupt the consensus splice site. ClinVar contains an entry for this variant (Variation ID: 1680291).

NM_002109.6(HARS1):c.1312-10_1312-9insGTACAGCA

Gene: HARS1 (histidyl-tRNA synthetase 1; minus strand). Cytogenetic location: 5q31.3.
Variant type: Insertion.
Coding change: c.1312-10_1312-9insGTACAGCA on transcript NM_002109.6 (MANE Select); 10 bases into the intron before coding-DNA position 1312 through 9 bases into the intron before coding-DNA position 1312, GTACAGCA inserted.
Molecular consequence: intron variant.
Genome position: GRCh38 VCF-style: chr5-140674834-G-GACTGCTGT. GRCh37 (hg19) VCF-style: chr5-140054419-G-GACTGCTGT.
Other names: c.1225-10_1225-9insGTACAGCA (NM_001289094.2); c.970-10_970-9insGTACAGCA (NM_001289093.2); c.1132-10_1132-9insGTACAGCA (NM_001258042.3); c.1192-10_1192-9insGTACAGCA (NM_001258040.3); c.1090-10_1090-9insGTACAGCA (NM_001289092.2); c.1252-10_1252-9insGTACAGCA (NM_001258041.3).
Identifiers: ClinVar variation 1680291 (VCV001680291.6), dbSNP rs2149819821, ClinGen allele CA2573139038.
Genomic context (GRCh38, chr5:140,674,834, plus strand): 5'-AGTACTGTAACTGGTTCAGTAGCTTTGGGTTCTTCTTGTACAGCAGCTCAGCCTGCAGGG[G>GACTGCTGT]ACAAGAGCAGAAGATGAAGGCTGGCTTCTGCTGTCCTCAGGGACAGAGGGTGTCCAAGCT-3'